The following is an entry in ClinVar:

ClinVar aggregate classification (germline): Pathogenic (1 of 4 stars; one submission).

Conditions:
Congenital myasthenic syndrome 4A. Also called: MYASTHENIC SYNDROME, CONGENITAL, 4A, SLOW-CHANNEL, AUTOSOMAL RECESSIVE; Myasthenic syndrome, congenital, 4a, slow-channel; CONGENITAL MYASTHENIC SYNDROME TYPE Ia1. Identifiers: Orphanet 590, MedGen C4225413, MONDO:0011600, OMIM 605809.

gnomAD v4.1: 2 of 1,614,104 alleles (0.00012%); highest among the groups gnomAD compares: South Asian, 0.0022%; no homozygotes.

Submission:

Labcorp Genetics (formerly Invitae), Labcorp
Classification: Pathogenic for Congenital myasthenic syndrome 4A. Last evaluated: 2024-09-26. Review status: criteria provided, single submitter. Criteria: Invitae Variant Classification Sherloc (09022015). Collection method: clinical testing. Allele origin: germline.
Comment: This sequence change replaces aspartic acid, which is acidic and polar, with asparagine, which is neutral and polar, at codon 195 of the CHRNE protein (p.Asp195Asn). This variant is present in population databases (rs774425374, gnomAD 0.006%). This missense change has been observed in individual(s) with autosomal recessive congenital myasthenic syndrome (PMID: 12356851). In at least one individual the variant was observed to be de novo. This variant is also known as p.D175N. Invitae Evidence Modeling of protein sequence and biophysical properties (such as structural, functional, and spatial information, amino acid conservation, physicochemical variation, residue mobility, and thermodynamic stability) has been performed for this missense variant. However, the output from this modeling did not meet the statistical confidence thresholds required to predict the impact of this variant on CHRNE protein function. Experimental studies have shown that this missense change affects CHRNE function (PMID: 12356851). This variant disrupts the p.Asp195 amino acid residue in CHRNE. Other variant(s) that disrupt this residue have been determined to be pathogenic (internal data). This suggests that this residue is clinically significant, and that variants that disrupt this residue are likely to be disease-causing. For these reasons, this variant has been classified as Pathogenic.

Literature cited by the submitters: PubMed 12356851.

NM_000080.4(CHRNE):c.583G>A (p.Asp195Asn)

Genes: C17orf107 (chromosome 17 open reading frame 107; plus strand), CHRNE (cholinergic receptor nicotinic epsilon subunit; minus strand). Cytogenetic location: 17p13.2.
Variant type: single nucleotide variant.
Coding change: c.583G>A on transcript NM_000080.4 (MANE Select); coding-DNA position 583, G replaced by A.
Protein change: p.Asp195Asn; replaces aspartic acid 195 with asparagine.
Molecular consequence: missense variant. On other transcripts: 3 prime UTR variant (1).
Genome position (GRCh38, 1-based): chr17:4,901,543, C>T on the plus strand (G>A on the coding strand, the complement: CHRNE is on the minus strand). VCF-style: chr17-4901543-C-T. GRCh37 (hg19) VCF-style: chr17-4804838-C-T.
Other names: c.*1010C>T (NM_001145536.2); short protein forms D195N.
Identifiers: ClinVar variation 2736400 (VCV002736400.3), dbSNP rs774425374, ClinGen allele CA8314355.